The following is an entry in ClinVar:

NC_000004.11:g.(?_121616266)_(121843763_?)del

Gene: PRDM5 (PR/SET domain 5; minus strand). Cytogenetic location: 4q27.
Variant type: Deletion.
Identifiers: ClinVar variation 2426482 (VCV002426482.4).

ClinVar aggregate classification (germline): Pathogenic (1 of 4 stars; one submission).

Submission:

Labcorp Genetics (formerly Invitae), Labcorp
Classification: Pathogenic. Last evaluated: 2023-09-30. Review status: criteria provided, single submitter. Criteria: Invitae Variant Classification Sherloc (09022015). Collection method: clinical testing. Allele origin: germline.
Comment: A gross deletion of the genomic region encompassing the full coding sequence of the PRDM5 gene has been identified. Loss-of-function variants in PRDM5 are known to be pathogenic (PMID: 21664999, 26395458). The boundaries of this event are unknown as they extend beyond the assayed region for this gene and therefore may encompass additional genes. This variant has not been reported in the literature in individuals affected with PRDM5-related conditions. For these reasons, this variant has been classified as Pathogenic.

Literature cited by the submitters: PubMed 21664999; PubMed 26395458.